The following is an entry in ClinVar:

NM_018896.5(CACNA1G):c.4027C>T (p.Arg1343Trp)

Gene: CACNA1G (calcium voltage-gated channel subunit alpha1 G; plus strand). Cytogenetic location: 17q21.33.
Variant type: single nucleotide variant.
Coding change: c.4027C>T on transcript NM_018896.5 (MANE Select); coding-DNA position 4027, C replaced by T.
Protein change: p.Arg1343Trp; replaces arginine 1343 with tryptophan.
Molecular consequence: missense variant. On other transcripts: non-coding transcript variant (5).
Genome position (GRCh38, 1-based): chr17:50,603,057, C>T. VCF-style: chr17-50603057-C-T. GRCh37 (hg19) VCF-style: chr17-48680418-C-T.
Other names: c.4027C>T, p.Arg1343Trp (NM_001256334.2, NM_001256359.2, NM_001256360.2 and 16 more transcripts); c.3958C>T, p.Arg1320Trp (NM_198376.3, NM_198379.3, NM_001256332.2 and 5 more transcripts); short protein forms R1320W, R1343W.
Identifiers: ClinVar variation 1965401 (VCV001965401.5), dbSNP rs2545490705, ClinGen allele CA400255696.

ClinVar aggregate classification (germline): Uncertain significance (1 of 4 stars; one submission).

Allele frequency attached by ClinVar (database versions not stated): gnomAD exomes below 0.00001.
gnomAD v4.1: 2 of 1,613,516 alleles (0.00012%); highest among the groups gnomAD compares: Non-Finnish European, 0.00017%; no homozygotes.

Submission:

Labcorp Genetics (formerly Invitae), Labcorp
Classification: Uncertain significance. Last evaluated: 2022-10-09. Review status: criteria provided, single submitter. Criteria: Invitae Variant Classification Sherloc (09022015). Collection method: clinical testing. Allele origin: germline.
Comment: In summary, the available evidence is currently insufficient to determine the role of this variant in disease. Therefore, it has been classified as a Variant of Uncertain Significance. Algorithms developed to predict the effect of missense changes on protein structure and function (SIFT, PolyPhen-2, Align-GVGD) all suggest that this variant is likely to be disruptive. This variant has not been reported in the literature in individuals affected with CACNA1G-related conditions. This variant is not present in population databases (gnomAD no frequency). This sequence change replaces arginine, which is basic and polar, with tryptophan, which is neutral and slightly polar, at codon 1343 of the CACNA1G protein (p.Arg1343Trp).